The following is an entry in ClinVar:

ClinVar aggregate classification (germline): Uncertain significance (1 of 4 stars; one submission).

Allele frequency attached by ClinVar (database versions not stated): TOPMed 0.00001; ExAC 0.00001; gnomAD 0.00001.

Submission:

Labcorp Genetics (formerly Invitae), Labcorp
Classification: Uncertain significance. Last evaluated: 2024-06-11. Review status: criteria provided, single submitter. Criteria: Invitae Variant Classification Sherloc (09022015). Collection method: clinical testing. Allele origin: germline.
Comment: This sequence change replaces arginine, which is basic and polar, with histidine, which is basic and polar, at codon 167 of the SULF1 protein (p.Arg167His). This variant is present in population databases (rs746778898, gnomAD 0.01%). This variant has not been reported in the literature in individuals affected with SULF1-related conditions. ClinVar contains an entry for this variant (Variation ID: 2063058). An algorithm developed to predict the effect of missense changes on protein structure and function (PolyPhen-2) suggests that this variant is likely to be disruptive. In summary, the available evidence is currently insufficient to determine the role of this variant in disease. Therefore, it has been classified as a Variant of Uncertain Significance.

NM_001128205.2(SULF1):c.500G>A (p.Arg167His)

Gene: SULF1 (sulfatase 1; plus strand). Cytogenetic location: 8q13.2.
Variant type: single nucleotide variant.
Coding change: c.500G>A on transcript NM_001128205.2 (MANE Select); coding-DNA position 500, G replaced by A.
Protein change: p.Arg167His; replaces arginine 167 with histidine.
Molecular consequence: missense variant. On other transcripts: non-coding transcript variant (2).
Genome position (GRCh38, 1-based): chr8:69,586,444, G>A. VCF-style: chr8-69586444-G-A. GRCh37 (hg19) VCF-style: chr8-70498679-G-A.
Other names: c.500G>A, p.Arg167His (NM_001128204.2, NM_001128206.2, NM_001412828.1 and 19 more transcripts); c.314G>A, p.Arg105His (NM_001412841.1, NM_001412842.1); c.-27G>A (NM_001412844.1, NM_001412845.1); c.-1202G>A (NM_001412846.1); short protein forms R105H, R167H.
Identifiers: ClinVar variation 2063058 (VCV002063058.4), dbSNP rs746778898, ClinGen allele CA4775594.
Genomic context (GRCh38, chr8:69,586,444, plus strand): 5'-ATAATGGCAGCTACATCCCCCCTGGGTGGCGAGAATGGCTTGGATTAATCAAGAATTCTC[G>A]CTTCTATAATTACACTGTTTGTCGCAATGGCATCAAAGAAAAGCATGGATTTGATTATGC-3'
Protein context (NP_001121677.1, residues 157-177): REWLGLIKNS[Arg167His]FYNYTVCRNG